The following is an entry in ClinVar:

NM_022437.3(ABCG8):c.1346C>T (p.Ala449Val)

Gene: ABCG8 (ATP binding cassette subfamily G member 8; plus strand). Cytogenetic location: 2p21.
Variant type: single nucleotide variant.
Coding change: c.1346C>T on transcript NM_022437.3 (MANE Select); coding-DNA position 1346, C replaced by T.
Protein change: p.Ala449Val; replaces alanine 449 with valine.
Molecular consequence: missense variant.
Genome position (GRCh38, 1-based): chr2:43,873,921, C>T. VCF-style: chr2-43873921-C-T. GRCh37 (hg19) VCF-style: chr2-44101060-C-T.
Other names: c.1343C>T, p.Ala448Val (NM_001357321.2); short protein forms A449V, A448V.
Identifiers: ClinVar variation 946238 (VCV000946238.9), dbSNP rs138711636, ClinGen allele CA1637407.

ClinVar aggregate classification (germline): Uncertain significance. Review status: criteria provided, multiple submitters, no conflicts (2 of 4 stars). 2 submissions from 2 submitters: Uncertain significance (2). Last evaluated 2023-12-20.

Conditions:
Cardiovascular phenotype. Identifiers: MedGen CN230736.

Allele frequency attached by ClinVar (database versions not stated): gnomAD exomes below 0.00001; gnomAD 0.00001; TOPMed 0.00001; 1000 Genomes Project 30x 0.00016; 1000 Genomes Project 0.00020.
gnomAD v4.1: 7 of 1,614,124 alleles (0.00043%); highest among the groups gnomAD compares: East Asian, 0.0022%; no homozygotes.

Submissions (2):

Ambry Genetics
Classification: Uncertain significance for Cardiovascular phenotype. Last evaluated: 2023-12-20. Review status: criteria provided, single submitter. Criteria: Ambry Variant Classification Scheme 2023. Collection method: clinical testing. Allele origin: germline.

Labcorp Genetics (formerly Invitae), Labcorp
Classification: Uncertain significance. Last evaluated: 2022-08-16. Review status: criteria provided, single submitter. Criteria: Invitae Variant Classification Sherloc (09022015). Collection method: clinical testing. Allele origin: germline.
Comment: In summary, the available evidence is currently insufficient to determine the role of this variant in disease. Therefore, it has been classified as a Variant of Uncertain Significance. Algorithms developed to predict the effect of missense changes on protein structure and function output the following: SIFT: "Tolerated"; PolyPhen-2: "Benign"; Align-GVGD: "Class C0". The valine amino acid residue is found in multiple mammalian species, which suggests that this missense change does not adversely affect protein function. ClinVar contains an entry for this variant (Variation ID: 946238). This variant has not been reported in the literature in individuals affected with ABCG8-related conditions. This variant is present in population databases (rs138711636, gnomAD 0.002%). This sequence change replaces alanine, which is neutral and non-polar, with valine, which is neutral and non-polar, at codon 449 of the ABCG8 protein (p.Ala449Val).